The following is an entry in ClinVar:

NM_001025603.2(RFX5):c.1037T>C (p.Val346Ala)

Gene: RFX5 (regulatory factor X5; minus strand). Cytogenetic location: 1q21.3.
Variant type: single nucleotide variant.
Coding change: c.1037T>C on transcript NM_001025603.2 (MANE Select); coding-DNA position 1037, T replaced by C.
Protein change: p.Val346Ala; replaces valine 346 with alanine.
Molecular consequence: missense variant.
Genome position (GRCh38, 1-based): chr1:151,343,000, A>G on the plus strand (T>C on the coding strand, the complement: RFX5 is on the minus strand). VCF-style: chr1-151343000-A-G. GRCh37 (hg19) VCF-style: chr1-151315476-A-G.
Other names: c.1037T>C, p.Val346Ala (NM_000449.4, NM_001379412.1, NM_001379413.1 and 5 more transcripts); c.917T>C, p.Val306Ala (NM_001379419.1, NM_001379420.1); short protein forms V346A, V306A.
Identifiers: ClinVar variation 945252 (VCV000945252.9), dbSNP rs776636293, ClinGen allele CA341930200.
Genomic context (GRCh38, chr1:151,343,000, plus strand): 5'-GGCAGTGTAGCCACTTTCAGGGCACCTGAAGAAAGCCTGGGGGCCAGAATAGGTGGAGAG[A>G]CTGGGATTGGCGGAATTAGTGAGCGAGGGGCCCGGGGAAGGAGCAGAGGCAGCCGAGCCA-3'
Protein context (NP_001020774.1, residues 336-356): APRSLIPPIP[Val346Ala]SPPILAPRLS

ClinVar aggregate classification (germline): Uncertain significance (1 of 4 stars; one submission).

Conditions:
MHC class II deficiency. Also called: Bare lymphocyte syndrome 2; BLS, TYPE II. Identifiers: Orphanet 572, MedGen C5447452, MONDO:0008855.

Allele frequency attached by ClinVar (database versions not stated): gnomAD below 0.00001 and 0.00001; gnomAD exomes below 0.00001.

Submission:

Labcorp Genetics (formerly Invitae), Labcorp
Classification: Uncertain significance for MHC class II deficiency. Last evaluated: 2019-04-03. Review status: criteria provided, single submitter. Criteria: Invitae Variant Classification Sherloc (09022015). Collection method: clinical testing. Allele origin: germline.
Comment: In summary, the available evidence is currently insufficient to determine the role of this variant in disease. Therefore, it has been classified as a Variant of Uncertain Significance. Algorithms developed to predict the effect of missense changes on protein structure and function are either unavailable or do not agree on the potential impact of this missense change (SIFT: "Tolerated"; PolyPhen-2: "Probably Damaging"; Align-GVGD: "Class C0"). This variant has not been reported in the literature in individuals with RFX5-related conditions. This variant is not present in population databases (ExAC no frequency). This sequence change replaces valine with alanine at codon 346 of the RFX5 protein (p.Val346Ala). The valine residue is weakly conserved and there is a small physicochemical difference between valine and alanine.